The following is an entry in ClinVar:

ClinVar aggregate classification (germline): Uncertain significance (1 of 4 stars; one submission).

Conditions:
Brown-Vialetto-van Laere syndrome 2. Also called: SPINOCEREBELLAR ATAXIA WITH BLINDNESS AND DEAFNESS 2; Riboflavin transporter deficiency type 2. Identifiers: Orphanet 572543, Orphanet 97229, MedGen C3553538, MONDO:0013867, OMIM 614707.

Submission:

Labcorp Genetics (formerly Invitae), Labcorp
Classification: Uncertain significance for Brown-Vialetto-van Laere syndrome 2. Last evaluated: 2018-11-30. Review status: criteria provided, single submitter. Criteria: Invitae Variant Classification Sherloc (09022015). Collection method: clinical testing. Allele origin: germline.
Comment: This sequence change replaces leucine with valine at codon 94 of the SLC52A2 protein (p.Leu94Val). The leucine residue is moderately conserved and there is a small physicochemical difference between leucine and valine. This variant is not present in population databases (ExAC no frequency). This variant has not been reported in the literature in individuals with SLC52A2-related conditions. Algorithms developed to predict the effect of missense changes on protein structure and function are either unavailable or do not agree on the potential impact of this missense change (SIFT: "Tolerated"; PolyPhen-2: "Probably Damaging"; Align-GVGD: "Class C0"). In summary, the available evidence is currently insufficient to determine the role of this variant in disease. Therefore, it has been classified as a Variant of Uncertain Significance.

NM_001363118.2(SLC52A2):c.280C>G (p.Leu94Val)

Gene: SLC52A2 (solute carrier family 52 member 2; plus strand). Cytogenetic location: 8q24.3.
Variant type: single nucleotide variant.
Coding change: c.280C>G on transcript NM_001363118.2 (MANE Select); coding-DNA position 280, C replaced by G.
Protein change: p.Leu94Val; replaces leucine 94 with valine.
Molecular consequence: missense variant. On other transcripts: non-coding transcript variant (1), intron variant (1).
Genome position (GRCh38, 1-based): chr8:144,359,772, C>G. VCF-style: chr8-144359772-C-G. GRCh37 (hg19) VCF-style: chr8-145583432-C-G.
Other names: c.280C>G, p.Leu94Val (NM_001253815.2, NM_001253816.2, NM_001363120.2 and 2 more transcripts); c.131-343C>G (NM_001363122.2); short protein forms L94V.
Identifiers: ClinVar variation 664998 (VCV000664998.6), dbSNP rs1586553484, ClinGen allele CA372626680.